The following is an entry in ClinVar:

NM_001349253.2(SCN11A):c.4272C>T (p.Tyr1424=)

Gene: SCN11A (sodium voltage-gated channel alpha subunit 11; minus strand). Cytogenetic location: 3p22.2.
Variant type: single nucleotide variant.
Coding change: c.4272C>T on transcript NM_001349253.2 (MANE Select); coding-DNA position 4272, C replaced by T.
Protein change: p.Tyr1424=; no amino-acid change (tyrosine 1424 retained).
Molecular consequence: synonymous variant.
Genome position (GRCh38, 1-based): chr3:38,850,536, G>A on the plus strand (C>T on the coding strand, the complement: SCN11A is on the minus strand). VCF-style: chr3-38850536-G-A. GRCh37 (hg19) VCF-style: chr3-38892027-G-A.
Other names: p.Tyr1424=; c.4272C>T, p.Tyr1424= (NM_014139.3).
Identifiers: ClinVar variation 474721 (VCV000474721.18), dbSNP rs146409038, ClinGen allele CA2321565.

ClinVar aggregate classification (germline): Benign/Likely benign. Review status: criteria provided, multiple submitters, no conflicts (2 of 4 stars). 5 submissions from 5 submitters: Benign (2); Likely benign (2). 1 of the submissions does not count toward it. Last evaluated 2026-01-19.

Conditions:
Hereditary sensory and autonomic neuropathy type 7. Also called: Neuropathy, hereditary sensory and autonomic, type VII; HSAN VII. Identifiers: Orphanet 391397, MedGen C3809882, MONDO:0014244, OMIM 615548.
Familial episodic pain syndrome with predominantly lower limb involvement. Also called: Episodic pain syndrome, familial, 3. Identifiers: Orphanet 391384, Orphanet 391392, MedGen C3809899, MONDO:0014247, OMIM 615552.
SCN11A-related disorder. Also called: SCN11A-related condition.
Inborn genetic diseases. Identifiers: MedGen C0950123, MeSH D030342.

Allele frequency attached by ClinVar (database versions not stated): gnomAD exomes 0.00014 and 0.00031; ExAC 0.00028; gnomAD 0.00034 and 0.00036; TOPMed 0.00034; ESP Exome Variant Server 0.00062.
gnomAD v4.1: 280 of 1,613,794 alleles (0.017%); highest among the groups gnomAD compares: African/African-American, 0.06%; 1 homozygote.

Submissions (5):

Labcorp Genetics (formerly Invitae), Labcorp
Classification: Likely benign for Familial episodic pain syndrome with predominantly lower limb involvement; Hereditary sensory and autonomic neuropathy type 7. Last evaluated: 2026-01-19. Review status: criteria provided, single submitter. Criteria: Invitae Variant Classification Sherloc (09022015). Collection method: clinical testing. Allele origin: germline.

Mayo Clinic Laboratories, Mayo Clinic
Classification: Benign. Last evaluated: 2024-10-11. Review status: criteria provided, single submitter. Criteria: ACMG Guidelines, 2015. Collection method: clinical testing. Allele origin: germline. Observed: 1 variant allele.
Comment: BA1, BS2, BP4, BP7

Ambry Genetics
Classification: Likely benign for Inborn genetic diseases. Last evaluated: 2019-07-11. Review status: criteria provided, single submitter. Criteria: Ambry Variant Classification Scheme 2023. Collection method: clinical testing. Allele origin: germline.

GeneDx
Classification: Benign. Last evaluated: 2018-11-02. Review status: criteria provided, single submitter. Criteria: GeneDx Variant Classification Process June 2021. Collection method: clinical testing. Allele origin: germline. Affected: yes.

PreventionGenetics, part of Exact Sciences
Classification: Benign for SCN11A-related condition. Last evaluated: 2019-08-27. Review status: no assertion criteria provided. Collection method: clinical testing. Allele origin: germline. Not counted in ClinVar's aggregate classification.
Comment: This variant is classified as benign based on ACMG/AMP sequence variant interpretation guidelines (Richards et al. 2015 PMID: 25741868, with internal and published modifications).